The following is an entry in ClinVar:

ClinVar aggregate classification (germline): Uncertain significance. Review status: criteria provided, multiple submitters, no conflicts (2 of 4 stars). 2 submissions from 2 submitters: Uncertain significance (2). Last evaluated 2025-08-14.

Conditions:
Baller-Gerold syndrome (BGS). Also called: CRANIOSYNOSTOSIS WITH RADIAL DEFECTS. Identifiers: Orphanet 1225, MedGen C0265308, MONDO:0009039, OMIM 218600.
Inborn genetic diseases. Identifiers: MedGen C0950123, MeSH D030342.

Submissions (2):

Ambry Genetics
Classification: Uncertain significance for Inborn genetic diseases. Last evaluated: 2025-08-14. Review status: criteria provided, single submitter. Criteria: Ambry Variant Classification Scheme 2023. Collection method: clinical testing. Allele origin: germline.
Comment: The p.R721P variant (also known as c.2162G>C), located in coding exon 13 of the RECQL4 gene, results from a G to C substitution at nucleotide position 2162. The arginine at codon 721 is replaced by proline, an amino acid with dissimilar properties. This amino acid position is conserved. In addition, this alteration is predicted to be deleterious by in silico analysis. Based on the available evidence, the clinical significance of this variant remains unclear.

Labcorp Genetics (formerly Invitae), Labcorp
Classification: Uncertain significance for Baller-Gerold syndrome. Last evaluated: 2022-05-27. Review status: criteria provided, single submitter. Criteria: Invitae Variant Classification Sherloc (09022015). Collection method: clinical testing. Allele origin: germline.
Comment: In summary, the available evidence is currently insufficient to determine the role of this variant in disease. Therefore, it has been classified as a Variant of Uncertain Significance. Experimental studies and prediction algorithms are not available or were not evaluated, and the functional significance of this variant is currently unknown. This variant has not been reported in the literature in individuals affected with RECQL4-related conditions. This variant is not present in population databases (gnomAD no frequency). This sequence change replaces arginine, which is basic and polar, with proline, which is neutral and non-polar, at codon 721 of the RECQL4 protein (p.Arg721Pro).

NM_004260.4(RECQL4):c.2162G>C (p.Arg721Pro)

Gene: RECQL4 (RecQ like helicase 4; minus strand). Cytogenetic location: 8q24.3.
Variant type: single nucleotide variant.
Coding change: c.2162G>C on transcript NM_004260.4 (MANE Select); coding-DNA position 2162, G replaced by C.
Protein change: p.Arg721Pro; replaces arginine 721 with proline.
Molecular consequence: missense variant.
Genome position (GRCh38, 1-based): chr8:144,513,609, C>G on the plus strand (G>C on the coding strand, the complement: RECQL4 is on the minus strand). VCF-style: chr8-144513609-C-G. GRCh37 (hg19) VCF-style: chr8-145738993-C-G.
Other names: c.2162G>C (NM_004260.3); c.2066G>C, p.Arg689Pro (NM_001413017.1, NM_001413020.1); c.2162G>C, p.Arg721Pro (NM_001413018.1, NM_001413019.1, NM_001413036.1); c.1091G>C, p.Arg364Pro (NM_001413021.1, NM_001413022.1, NM_001413023.1 and 6 more transcripts); c.2033G>C, p.Arg678Pro (NM_001413025.1); c.1025G>C, p.Arg342Pro (NM_001413027.1, NM_001413030.1, NM_001413032.1 and 1 more transcripts); c.1811G>C, p.Arg604Pro (NM_001413029.1); c.893G>C, p.Arg298Pro (NM_001413031.1); and 5 more; short protein forms R354P, R677P, R320P, R604P, R689P, R298P, R364P, R721P.
Identifiers: ClinVar variation 1999630 (VCV001999630.5), dbSNP rs558451720, ClinGen allele CA372679695.